The following is an entry in ClinVar:

NM_181303.2(NLGN3):c.342G>A (p.Val114=)

Gene: NLGN3 (neuroligin 3; plus strand). Cytogenetic location: Xq13.1.
Variant type: single nucleotide variant.
Coding change: c.342G>A on transcript NM_181303.2 (MANE Select); coding-DNA position 342, G replaced by A.
Protein change: p.Val114=; no amino-acid change (valine 114 retained).
Molecular consequence: synonymous variant. On other transcripts: 5 prime UTR variant (1).
Genome position (GRCh38, 1-based): chrX:71,148,091, G>A. VCF-style: chrX-71148091-G-A. GRCh37 (hg19) VCF-style: chrX-70367941-G-A.
Other names: c.342G>A, p.Val114= (NM_001166660.2, NM_018977.4); c.-10G>A (NM_001321276.2).
Identifiers: ClinVar variation 2660855 (VCV002660855.24), dbSNP rs2519735728, ClinGen allele CA516729766.
Genomic context (GRCh38, chrX:71,148,091, plus strand): 5'-GGGCATCCGGAACGCCACACACTTTCCCCCAGTGTGCCCCCAGAACATCCACACAGCTGT[G>A]CCCGAAGTCATGCTGCCGGTCTGGTTCACTGCCAACTTGGATATCGTCGCTACTTACATC-3'
Protein context (NP_851820.1, residues 104-124): PVCPQNIHTA[Val114=]PEVMLPVWFT

ClinVar aggregate classification (germline): Uncertain significance (1 of 4 stars; one submission).

Submission:

CeGaT Center for Human Genetics Tuebingen
Classification: Uncertain significance. Last evaluated: 2023-10-01. Review status: criteria provided, single submitter. Criteria: CeGaT Center For Human Genetics Tuebingen Variant Classification Criteria Version 2. Collection method: clinical testing. Allele origin: germline. Affected: yes. Observed: 1 variant allele.
Comment: NLGN3: PM2:Supporting, BP4